The following is an entry in ClinVar:

NM_000260.4(MYO7A):c.4441+1G>A

Gene: MYO7A (myosin VIIA; plus strand). Cytogenetic location: 11q13.5.
Variant type: single nucleotide variant.
Coding change: c.4441+1G>A on transcript NM_000260.4 (MANE Select); the canonical splice donor site of the intron after coding-DNA position 4441, G replaced by A.
Molecular consequence: splice donor variant.
Genome position (GRCh38, 1-based): chr11:77,197,599, G>A. VCF-style: chr11-77197599-G-A. GRCh37 (hg19) VCF-style: chr11-76908644-G-A.
Other names: c.4408+1G>A (NM_001369365.1); c.4441+1G>A (NM_001127180.2).
Identifiers: ClinVar variation 2748137 (VCV002748137.3), dbSNP rs2497547053, ClinGen allele CA381950191.

ClinVar aggregate classification (germline): Likely pathogenic (1 of 4 stars; one submission).

Allele frequency attached by ClinVar (database versions not stated): gnomAD exomes below 0.00001.

Submission:

Labcorp Genetics (formerly Invitae), Labcorp
Classification: Likely pathogenic. Last evaluated: 2023-08-04. Review status: criteria provided, single submitter. Criteria: Invitae Variant Classification Sherloc (09022015). Collection method: clinical testing. Allele origin: germline.
Comment: In summary, the currently available evidence indicates that the variant is pathogenic, but additional data are needed to prove that conclusively. Therefore, this variant has been classified as Likely Pathogenic. Algorithms developed to predict the effect of sequence changes on RNA splicing suggest that this variant may disrupt the consensus splice site. This variant has not been reported in the literature in individuals affected with MYO7A-related conditions. This variant is not present in population databases (gnomAD no frequency). This sequence change affects a donor splice site in intron 33 of the MYO7A gene. It is expected to disrupt RNA splicing. Variants that disrupt the donor or acceptor splice site typically lead to a loss of protein function (PMID: 16199547), and loss-of-function variants in MYO7A are known to be pathogenic (PMID: 8900236, 25404053).

Literature cited by the submitters: PubMed 16199547; PubMed 8900236; PubMed 25404053.